The following is an entry in ClinVar:

NM_004787.4(SLIT2):c.4529C>T (p.Ser1510Phe)

Gene: SLIT2 (slit guidance ligand 2; plus strand). Cytogenetic location: 4p15.31.
Variant type: single nucleotide variant.
Coding change: c.4529C>T on transcript NM_004787.4 (MANE Select); coding-DNA position 4529, C replaced by T.
Protein change: p.Ser1510Phe; replaces serine 1510 with phenylalanine.
Molecular consequence: missense variant.
Genome position (GRCh38, 1-based): chr4:20,618,948, C>T. VCF-style: chr4-20618948-C-T. GRCh37 (hg19) VCF-style: chr4-20620571-C-T.
Other names: c.4517C>T, p.Ser1506Phe (NM_001289135.3); c.4505C>T, p.Ser1502Phe (NM_001289136.3); short protein forms S1506F, S1510F, S1502F.
Identifiers: ClinVar variation 4169783 (VCV004169783.2).

ClinVar aggregate classification (germline): Uncertain significance. Review status: criteria provided, multiple submitters, no conflicts (2 of 4 stars). 2 submissions from 2 submitters: Uncertain significance (2). Last evaluated 2025-10-21.

gnomAD v4.1: 2 of 1,614,054 alleles (0.00012%); highest among the groups gnomAD compares: Admixed American, 0.0017%; no homozygotes.

Submissions (2):

Labcorp Genetics (formerly Invitae), Labcorp
Classification: Uncertain significance. Last evaluated: 2025-10-21. Review status: criteria provided, single submitter. Criteria: Invitae Variant Classification Sherloc (09022015). Collection method: clinical testing. Allele origin: germline.
Comment: This sequence change replaces serine, which is neutral and polar, with phenylalanine, which is neutral and non-polar, at codon 1510 of the SLIT2 protein (p.Ser1510Phe). This variant is not present in population databases (gnomAD no frequency). This variant has not been reported in the literature in individuals affected with SLIT2-related conditions. ClinVar contains an entry for this variant (Variation ID: 4169783). An algorithm developed to predict the effect of missense changes on protein structure and function (PolyPhen-2) suggests that this variant is likely to be disruptive. In summary, the available evidence is currently insufficient to determine the role of this variant in disease. Therefore, it has been classified as a Variant of Uncertain Significance.

Ambry Genetics
Classification: Uncertain significance. Last evaluated: 2025-08-14. Review status: criteria provided, single submitter. Criteria: Ambry Variant Classification Scheme 2023. Collection method: clinical testing. Allele origin: germline.